The following is an entry in ClinVar:

NM_000051.4(ATM):c.6884A>C (p.Glu2295Ala)

Genes: ATM (ATM serine/threonine kinase; plus strand), C11orf65 (chromosome 11 open reading frame 65; minus strand). Cytogenetic location: 11q22.3.
Variant type: single nucleotide variant.
Coding change: c.6884A>C on transcript NM_000051.4 (MANE Select); coding-DNA position 6884, A replaced by C.
Protein change: p.Glu2295Ala; replaces glutamic acid 2295 with alanine.
Molecular consequence: missense variant. On other transcripts: intron variant (2).
Genome position (GRCh38, 1-based): chr11:108,326,134, A>C. VCF-style: chr11-108326134-A-C. GRCh37 (hg19) VCF-style: chr11-108196861-A-C.
Other names: c.6884A>C, p.Glu2295Ala (NM_001351834.2); c.641-17063T>G (NM_001330368.2); c.*38+9086T>G (NM_001351110.2); short protein forms E2295A.
Identifiers: ClinVar variation 3802781 (VCV003802781.1).

ClinVar aggregate classification (germline): Uncertain significance (1 of 4 stars; one submission).

Conditions:
Hereditary cancer-predisposing syndrome. Also called: Neoplastic Syndromes, Hereditary; Tumor predisposition; Hereditary Cancer Syndrome; Hereditary neoplastic syndrome. Identifiers: Orphanet 140162, MedGen C0027672, MeSH D009386, MONDO:0015356.

Submission:

Ambry Genetics
Classification: Uncertain significance for Hereditary cancer-predisposing syndrome. Last evaluated: 2025-02-16. Review status: criteria provided, single submitter. Criteria: Ambry Variant Classification Scheme 2023. Collection method: clinical testing. Allele origin: germline.
Comment: The p.E2295A variant (also known as c.6884A>C), located in coding exon 46 of the ATM gene, results from an A to C substitution at nucleotide position 6884. The glutamic acid at codon 2295 is replaced by alanine, an amino acid with dissimilar properties. This amino acid position is conserved. In addition, the in silico prediction for this alteration is inconclusive. Based on the available evidence, the clinical significance of this variant remains unclear.